The following is an entry in ClinVar:

ClinVar aggregate classification (germline): Uncertain significance. Review status: criteria provided, multiple submitters, no conflicts (2 of 4 stars). 2 submissions from 2 submitters: Uncertain significance (2). Last evaluated 2024-05-15.

Conditions:
Inborn genetic diseases. Identifiers: MedGen C0950123, MeSH D030342.
CTCF-related disorder. Also called: CTCF-related condition. Identifiers: MedGen CN381101.

Allele frequency attached by ClinVar (database versions not stated): gnomAD exomes below 0.00001.
gnomAD v4.1: 3 of 1,597,326 alleles (0.00019%); highest among the groups gnomAD compares: Non-Finnish European, 0.00017%; no homozygotes.

Submissions (2):

Ambry Genetics
Classification: Uncertain significance for Inborn genetic diseases. Last evaluated: 2024-05-15. Review status: criteria provided, single submitter. Criteria: Ambry Variant Classification Scheme 2023. Collection method: clinical testing. Allele origin: germline.

PreventionGenetics, part of Exact Sciences
Classification: Uncertain significance for CTCF-related condition. Last evaluated: 2023-10-04. Review status: criteria provided, single submitter. Criteria: ACMG Guidelines, 2015. Collection method: clinical testing. Allele origin: germline.
Comment: The CTCF c.1969G>C variant is predicted to result in the amino acid substitution p.Gly657Arg. To our knowledge, this variant has not been reported in the literature or in a large population database, indicating this variant is rare. At this time, the clinical significance of this variant is uncertain due to the absence of conclusive functional and genetic evidence.

NM_006565.4(CTCF):c.1969G>C (p.Gly657Arg)

Gene: CTCF (CCCTC-binding factor; plus strand). Cytogenetic location: 16q22.1.
Variant type: single nucleotide variant.
Coding change: c.1969G>C on transcript NM_006565.4 (MANE Select); coding-DNA position 1969, G replaced by C.
Protein change: p.Gly657Arg; replaces glycine 657 with arginine.
Molecular consequence: missense variant.
Genome position (GRCh38, 1-based): chr16:67,636,821, G>C. VCF-style: chr16-67636821-G-C. GRCh37 (hg19) VCF-style: chr16-67670724-G-C.
Other names: c.985G>C, p.Gly329Arg (NM_001191022.2); c.1969G>C, p.Gly657Arg (NM_001363916.2); short protein forms G329R, G657R.
Identifiers: ClinVar variation 2634460 (VCV002634460.2), dbSNP rs2543507476, ClinGen allele CA396324212.
Genomic context (GRCh38, chr16:67,636,821, plus strand): 5'-GAGCCTCAGCCTGTGACCCCAGCCCCACCACCCGCCAAGAAGCGGAGAGGACGACCCCCT[G>C]GCAGAACCAACCAGCCCAAACAGAACCAGCGTAAGTTGTTCATCTCTGCTCTGGAGGCTG-3'
Protein context (NP_006556.1, residues 647-667): PAKKRRGRPP[Gly657Arg]RTNQPKQNQP